The following is an entry in ClinVar:

NM_145725.3(TRAF3):c.779T>C (p.Val260Ala)

Gene: TRAF3 (TNF receptor associated factor 3; plus strand). Cytogenetic location: 14q32.32.
Variant type: single nucleotide variant.
Coding change: c.779T>C on transcript NM_145725.3 (MANE Select); coding-DNA position 779, T replaced by C.
Protein change: p.Val260Ala; replaces valine 260 with alanine.
Molecular consequence: missense variant. On other transcripts: intron variant (1).
Genome position (GRCh38, 1-based): chr14:102,891,377, T>C. VCF-style: chr14-102891377-T-C. GRCh37 (hg19) VCF-style: chr14-103357714-T-C.
Other names: c.779T>C, p.Val260Ala (NM_001385142.1, NM_003300.4); c.698T>C, p.Val233Ala (NM_001385143.1); c.704T>C, p.Val235Ala (NM_145726.3); c.571-5884T>C (NM_001199427.2); short protein forms V233A, V235A, V260A.
Identifiers: ClinVar variation 2874801 (VCV002874801.3), dbSNP rs1889703626, ClinGen allele CA391072355.
Genomic context (GRCh38, chr14:102,891,377, plus strand): 5'-TCTCGCAGGGGACAAACCAGCAGATCAAGGCCCACGAGGCCAGCTCCGCCGTGCAGCACG[T>C]CAACCTGCTGAAGGAGTGGAGCAACTCGCTCGAAAAGAAGGTGGGCTGCACACTTTCCTG-3'
Protein context (NP_663777.1, residues 250-270): AHEASSAVQH[Val260Ala]NLLKEWSNSL

ClinVar aggregate classification (germline): Uncertain significance (1 of 4 stars; one submission).

Conditions:
Immunodeficiency 132A. Also called: Herpes simplex encephalitis, susceptibility to, 3. Identifiers: Orphanet 1930, MedGen C3553868, MONDO:0013920, OMIM 614849.

Allele frequency attached by ClinVar (database versions not stated): TOPMed below 0.00001.

Submission:

Labcorp Genetics (formerly Invitae), Labcorp
Classification: Uncertain significance for Immunodeficiency 132A. Last evaluated: 2023-09-01. Review status: criteria provided, single submitter. Criteria: Invitae Variant Classification Sherloc (09022015). Collection method: clinical testing. Allele origin: germline.
Comment: In summary, the available evidence is currently insufficient to determine the role of this variant in disease. Therefore, it has been classified as a Variant of Uncertain Significance. An algorithm developed to predict the effect of missense changes on protein structure and function (PolyPhen-2) suggests that this variant is likely to be tolerated. This variant has not been reported in the literature in individuals affected with TRAF3-related conditions. This variant is not present in population databases (gnomAD no frequency). This sequence change replaces valine, which is neutral and non-polar, with alanine, which is neutral and non-polar, at codon 260 of the TRAF3 protein (p.Val260Ala).